The following is an entry in ClinVar:

NM_000051.4(ATM):c.301G>A (p.Val101Ile)

Gene: ATM (ATM serine/threonine kinase; plus strand). Cytogenetic location: 11q22.3.
Variant type: single nucleotide variant.
Coding change: c.301G>A on transcript NM_000051.4 (MANE Select); coding-DNA position 301, G replaced by A.
Protein change: p.Val101Ile; replaces valine 101 with isoleucine.
Molecular consequence: missense variant.
Genome position (GRCh38, 1-based): chr11:108,229,293, G>A. VCF-style: chr11-108229293-G-A. GRCh37 (hg19) VCF-style: chr11-108100020-G-A.
Other names: c.301G>A, p.Val101Ile (NM_001351834.2, NM_001351835.2, NM_001351836.2); short protein forms V101I.
Identifiers: ClinVar variation 232040 (VCV000232040.21), dbSNP rs758483894, ClinGen allele CA6264549.

ClinVar aggregate classification (germline): Uncertain significance. Review status: criteria provided, multiple submitters, no conflicts (2 of 4 stars). 5 submissions from 5 submitters: Uncertain significance (4). 1 of the submissions does not count toward it. Last evaluated 2025-11-17.

Conditions:
Ataxia-telangiectasia syndrome (AT). Also called: Ataxia telangiectasia (A-T); Ataxia-telangiectasia, complementation group E; LOUIS-BAR SYNDROME; Cerebello-oculocutaneous telangiectasia; Immunodeficiency with ataxia telangiectasia; Ataxia-telangiectasia, complementation group D. Identifiers: Orphanet 100, MedGen C0004135, MONDO:0008840, OMIM 208900.
Hereditary cancer-predisposing syndrome. Also called: Hereditary Cancer Syndrome; Neoplastic Syndromes, Hereditary; Tumor predisposition; Hereditary neoplastic syndrome. Identifiers: Orphanet 140162, MedGen C0027672, MeSH D009386, MONDO:0015356.

Allele frequency attached by ClinVar (database versions not stated): ExAC 0.00001; gnomAD 0.00001; gnomAD exomes 0.00001; TOPMed 0.00001.
gnomAD v4.1: 21 of 1,613,012 alleles (0.0013%); highest among the groups gnomAD compares: African/African-American, 0.0027%; no homozygotes.

Submissions (5):

Labcorp Genetics (formerly Invitae), Labcorp
Classification: Uncertain significance for Ataxia-telangiectasia syndrome. Last evaluated: 2025-11-17. Review status: criteria provided, single submitter. Criteria: Invitae Variant Classification Sherloc (09022015). Collection method: clinical testing. Allele origin: germline.
Comment: This sequence change replaces valine, which is neutral and non-polar, with isoleucine, which is neutral and non-polar, at codon 101 of the ATM protein (p.Val101Ile). This variant is present in population databases (rs758483894, gnomAD 0.007%). This variant has not been reported in the literature in individuals affected with ATM-related conditions. ClinVar contains an entry for this variant (Variation ID: 232040). Invitae Evidence Modeling of protein sequence and biophysical properties (such as structural, functional, and spatial information, amino acid conservation, physicochemical variation, residue mobility, and thermodynamic stability) indicates that this missense variant is not expected to disrupt ATM protein function with a negative predictive value of 95%. In summary, the available evidence is currently insufficient to determine the role of this variant in disease. Therefore, it has been classified as a Variant of Uncertain Significance.

GeneDx
Classification: Uncertain significance. Last evaluated: 2024-06-10. Review status: criteria provided, single submitter. Criteria: GeneDx Variant Classification Process June 2021. Collection method: clinical testing. Allele origin: germline. Affected: yes.
Comment: Not observed at significant frequency in large population cohorts (gnomAD); In silico analysis indicates that this missense variant does not alter protein structure/function; Has not been previously published as pathogenic or benign to our knowledge

Ambry Genetics
Classification: Uncertain significance for Hereditary cancer-predisposing syndrome. Last evaluated: 2024-03-24. Review status: criteria provided, single submitter. Criteria: Ambry Variant Classification Scheme 2023. Collection method: clinical testing. Allele origin: germline.
Comment: The p.V101I variant (also known as c.301G>A), located in coding exon 3 of the ATM gene, results from a G to A substitution at nucleotide position 301. The valine at codon 101 is replaced by isoleucine, an amino acid with highly similar properties. This amino acid position is well conserved in available vertebrate species. In addition, this alteration is predicted to be tolerated by in silico analysis. Since supporting evidence is limited at this time, the clinical significance of this alteration remains unclear.

Color Diagnostics, LLC DBA Color Health
Classification: Uncertain significance for Hereditary cancer-predisposing syndrome. Last evaluated: 2023-12-05. Review status: criteria provided, single submitter. Criteria: ACMG Guidelines, 2015. Collection method: clinical testing. Allele origin: germline.
Comment: This missense variant replaces valine with isoleucine at codon 101 of the ATM protein. Computational prediction suggests that this variant may not impact protein structure and function (internally defined REVEL score threshold <= 0.5, PMID: 27666373). To our knowledge, functional studies have not been reported for this variant. This variant has not been reported in individuals affected with ATM-related disorders in the literature. This variant has been identified in 2/250872 chromosomes in the general population by the Genome Aggregation Database (gnomAD). The available evidence is insufficient to determine the role of this variant in disease conclusively. Therefore, this variant is classified as a Variant of Uncertain Significance.

Natera, Inc.
Classification: Uncertain significance for Ataxia-telangiectasia. Last evaluated: 2020-09-16. Review status: no assertion criteria provided. Collection method: clinical testing. Allele origin: germline. Not counted in ClinVar's aggregate classification.